The following is an entry in ClinVar:

NM_017950.4(CCDC40):c.2152C>T (p.Arg718Trp)

Gene: CCDC40 (coiled-coil domain 40 molecular ruler complex subunit; plus strand). Cytogenetic location: 17q25.3.
Variant type: single nucleotide variant.
Coding change: c.2152C>T on transcript NM_017950.4 (MANE Select); coding-DNA position 2152, C replaced by T.
Protein change: p.Arg718Trp; replaces arginine 718 with tryptophan.
Molecular consequence: missense variant.
Genome position (GRCh38, 1-based): chr17:80,084,905, C>T. VCF-style: chr17-80084905-C-T. GRCh37 (hg19) VCF-style: chr17-78058704-C-T.
Other names: c.2152C>T, p.Arg718Trp (NM_001243342.2); short protein forms R718W.
Identifiers: ClinVar variation 188146 (VCV000188146.9), dbSNP rs368063104, ClinGen allele CA334160.

ClinVar aggregate classification (germline): Uncertain significance (1 of 4 stars; one submission).

Conditions:
Primary ciliary dyskinesia. Also called: Ciliary dyskinesia. Identifiers: Orphanet 244, MedGen C0008780, MONDO:0016575, HP:0012265.

Allele frequency attached by ClinVar (database versions not stated): gnomAD exomes below 0.00001 and 0.00001; gnomAD 0.00001; TOPMed 0.00001; ESP Exome Variant Server 0.00008.
gnomAD v4.1: 9 of 1,613,954 alleles (0.00056%); highest among the groups gnomAD compares: African/African-American, 0.0013%; no homozygotes.

Submission:

Labcorp Genetics (formerly Invitae), Labcorp
Classification: Uncertain significance for Primary ciliary dyskinesia. Last evaluated: 2022-01-11. Review status: criteria provided, single submitter. Criteria: Invitae Variant Classification Sherloc (09022015). Collection method: clinical testing. Allele origin: germline.
Comment: In summary, the available evidence is currently insufficient to determine the role of this variant in disease. Therefore, it has been classified as a Variant of Uncertain Significance. Algorithms developed to predict the effect of missense changes on protein structure and function are either unavailable or do not agree on the potential impact of this missense change (SIFT: "Deleterious"; PolyPhen-2: "Probably Damaging"; Align-GVGD: "Class C0"). ClinVar contains an entry for this variant (Variation ID: 188146). This missense change has been observed in individual(s) with primary ciliary dyskinesia (PMID: 31765523). This variant is present in population databases (rs368063104, gnomAD 0.0008%). This sequence change replaces arginine, which is basic and polar, with tryptophan, which is neutral and slightly polar, at codon 718 of the CCDC40 protein (p.Arg718Trp).

Literature cited by the submitters: PubMed 31765523.